The following is an entry in ClinVar:

ClinVar aggregate classification (germline): Uncertain significance (1 of 4 stars; one submission).

Submission:

Labcorp Genetics (formerly Invitae), Labcorp
Classification: Uncertain significance. Last evaluated: 2023-07-17. Review status: criteria provided, single submitter. Criteria: Invitae Variant Classification Sherloc (09022015). Collection method: clinical testing. Allele origin: germline.
Comment: This variant, c.1898_1903del, results in the deletion of 2 amino acid(s) of the COL7A1 protein (p.Thr633_Gly634del), but otherwise preserves the integrity of the reading frame. This variant is present in population databases (no rsID available, gnomAD 0.006%). This variant has not been reported in the literature in individuals affected with COL7A1-related conditions. Experimental studies and prediction algorithms are not available or were not evaluated, and the functional significance of this variant is currently unknown. In summary, the available evidence is currently insufficient to determine the role of this variant in disease. Therefore, it has been classified as a Variant of Uncertain Significance.

NM_000094.4(COL7A1):c.1898_1903del (p.Thr633_Gly634del)

Gene: COL7A1 (collagen type VII alpha 1 chain; minus strand). Cytogenetic location: 3p21.31.
Variant type: Deletion.
Coding change: c.1898_1903del on transcript NM_000094.4 (MANE Select); coding-DNA positions 1898 to 1903, 6 bases deleted (CAGGCA; older notation c.1898_1903delCAGGCA).
Protein change: p.Thr633_Gly634del.
Molecular consequence: inframe deletion.
Genome position (GRCh38, 1-based): chr3:48,590,462-48,590,467, TGCCTG deleted on the plus strand (CAGGCA on the coding strand, the reverse complement: COL7A1 is on the minus strand); deleting any 6 consecutive bases within chr3:48,590,462-48,590,470 gives the same sequence; the c. name uses the placement nearest the transcript's 3' end. VCF-style (leftmost placement, unchanged base first): chr3-48590461-CTGCCTG-C. GRCh37 (hg19) VCF-style: chr3-48627894-CTGCCTG-C.
Identifiers: ClinVar variation 2979490 (VCV002979490.3), dbSNP rs1203966229, ClinGen allele CA543045317.